The following is an entry in ClinVar:

ClinVar aggregate classification (germline): Uncertain significance. Review status: criteria provided, multiple submitters, no conflicts (2 of 4 stars). 4 submissions from 4 submitters: Uncertain significance (4). Last evaluated 2026-02-09.

Conditions:
Inborn genetic diseases. Identifiers: MedGen C0950123, MeSH D030342.
Developmental and epileptic encephalopathy, 18 (DEE18). Also called: Early infantile epileptic encephalopathy 18. Identifiers: Orphanet 369894, MedGen C3809624, MONDO:0014201, OMIM 615476.

Allele frequency attached by ClinVar (database versions not stated): ExAC 0.00002; gnomAD 0.00002; TOPMed 0.00006; gnomAD exomes 0.00002.
gnomAD v4.1: 18 of 1,614,066 alleles (0.0011%); highest among the groups gnomAD compares: Admixed American, 0.012%; no homozygotes.

Submissions (4):

GeneDx
Classification: Uncertain significance. Last evaluated: 2026-02-09. Review status: criteria provided, single submitter. Criteria: GeneDx Variant Classification Process June 2021. Collection method: clinical testing. Allele origin: germline.
Comment: Not observed at significant frequency in large population cohorts (gnomAD); In silico analysis suggests that this missense variant does not alter protein structure/function; Has not been previously published as pathogenic or benign to our knowledge

Ambry Genetics
Classification: Uncertain significance for Inborn genetic diseases. Last evaluated: 2025-08-30. Review status: criteria provided, single submitter. Criteria: Ambry Variant Classification Scheme 2023. Collection method: clinical testing. Allele origin: germline.

Genome-Nilou Lab
Classification: Uncertain significance for Developmental and epileptic encephalopathy, 18. Last evaluated: 2023-04-11. Review status: criteria provided, single submitter. Criteria: ACMG Guidelines, 2015. Collection method: clinical testing. Allele origin: germline. Affected: no.

Labcorp Genetics (formerly Invitae), Labcorp
Classification: Uncertain significance. Last evaluated: 2022-03-09. Review status: criteria provided, single submitter. Criteria: Invitae Variant Classification Sherloc (09022015). Collection method: clinical testing. Allele origin: germline.
Comment: This sequence change replaces alanine, which is neutral and non-polar, with valine, which is neutral and non-polar, at codon 1191 of the SZT2 protein (p.Ala1191Val). This variant is present in population databases (rs752303066, gnomAD 0.01%). This variant has not been reported in the literature in individuals affected with SZT2-related conditions. ClinVar contains an entry for this variant (Variation ID: 935841). Algorithms developed to predict the effect of missense changes on protein structure and function (SIFT, PolyPhen-2, Align-GVGD) all suggest that this variant is likely to be disruptive. In summary, the available evidence is currently insufficient to determine the role of this variant in disease. Therefore, it has been classified as a Variant of Uncertain Significance.

NM_001365999.1(SZT2):c.3743C>T (p.Ala1248Val)

Gene: SZT2 (SZT2 subunit of KICSTOR complex; plus strand). Cytogenetic location: 1p34.2.
Variant type: single nucleotide variant.
Coding change: c.3743C>T on transcript NM_001365999.1 (MANE Select); coding-DNA position 3743, C replaced by T.
Protein change: p.Ala1248Val; replaces alanine 1248 with valine.
Molecular consequence: missense variant.
Genome position (GRCh38, 1-based): chr1:43,427,674, C>T. VCF-style: chr1-43427674-C-T. GRCh37 (hg19) VCF-style: chr1-43893345-C-T.
Other names: c.3572C>T, p.Ala1191Val (NM_015284.4); short protein forms A1191V, A1248V.
Identifiers: ClinVar variation 935841 (VCV000935841.12), dbSNP rs752303066, ClinGen allele CA809077.